The following is an entry in ClinVar:

ClinVar aggregate classification (germline): Conflicting classifications of pathogenicity. Review status: criteria provided, conflicting classifications (1 of 4 stars). 8 submissions from 6 submitters: Uncertain significance (4); Likely benign (4). Last evaluated 2026-08-01.

Conditions:
Nephronophthisis. Also called: Juvenile Nephronophthisis. Identifiers: Orphanet 655, MedGen C0687120, MONDO:0019005, HP:0000090.
Renal-hepatic-pancreatic dysplasia 1 (RHPD1). Identifiers: MedGen C3715199, MONDO:0008833, OMIM 208540.
Nephronophthisis 3 (NPHP3). Also called: Adolescent nephronophthisis. Identifiers: Orphanet 655, MedGen C1858392, MONDO:0011456, OMIM 604387.
NPHP3-related Meckel-like syndrome. Also called: GOLDSTON SYNDROME; Meckel syndrome type 7. Identifiers: Orphanet 3032, MedGen C2673885, MONDO:0009966, OMIM 267010.

Allele frequency attached by ClinVar (database versions not stated): gnomAD 0.00026; ESP Exome Variant Server 0.00038; TOPMed 0.00042; 1000 Genomes Project 30x 0.00078; 1000 Genomes Project 0.00080.
gnomAD v4.1: 264 of 1,588,844 alleles (0.017%); highest among the groups gnomAD compares: African/African-American, 0.063%; no homozygotes.

Submissions (8):

CeGaT Center for Human Genetics Tuebingen
Classification: Likely benign. Last evaluated: 2026-08-01. Review status: criteria provided, single submitter. Criteria: CeGaT Center For Human Genetics Tuebingen Variant Classification Criteria Version 2. Collection method: clinical testing. Allele origin: germline. Affected: yes. Observed: 1 variant allele.
Comment: NPHP3: BP4, BP7

Labcorp Genetics (formerly Invitae), Labcorp
Classification: Likely benign for Nephronophthisis. Last evaluated: 2026-01-28. Review status: criteria provided, single submitter. Criteria: Invitae Variant Classification Sherloc (09022015). Collection method: clinical testing. Allele origin: germline.

Blueprint Genetics
Classification: Likely benign. Last evaluated: 2023-12-08. Review status: criteria provided, single submitter. Criteria: ACMG Guidelines, 2015. Collection method: clinical testing. Allele origin: germline.

GeneDx
Classification: Likely benign. Last evaluated: 2020-03-17. Review status: criteria provided, single submitter. Criteria: GeneDx Variant Classification Process June 2021. Collection method: clinical testing. Allele origin: germline. Affected: yes.

Illumina Laboratory Services, Illumina
Classification: Uncertain significance for Renal-hepatic-pancreatic dysplasia 1. Last evaluated: 2018-01-13. Review status: criteria provided, single submitter. Criteria: ICSL Variant Classification Criteria 13 December 2019. Collection method: clinical testing. Allele origin: germline.

Illumina Laboratory Services, Illumina
Classification: Uncertain significance for Nephronophthisis 3. Last evaluated: 2018-01-13. Review status: criteria provided, single submitter. Criteria: ICSL Variant Classification Criteria 13 December 2019. Collection method: clinical testing. Allele origin: germline.

Illumina Laboratory Services, Illumina
Classification: Uncertain significance for NPHP3-related Meckel-like syndrome. Last evaluated: 2018-01-13. Review status: criteria provided, single submitter. Criteria: ICSL Variant Classification Criteria 13 December 2019. Collection method: clinical testing. Allele origin: germline.

Eurofins Ntd Llc (ga)
Classification: Uncertain significance. Last evaluated: 2017-06-22. Review status: criteria provided, single submitter. Criteria: EGL Classification Definitions 2015. Collection method: clinical testing. Allele origin: germline. Observed: 2 variant alleles, 2 heterozygotes.

NM_153240.5(NPHP3):c.408G>A (p.Thr136=)

Genes: NPHP3 (nephrocystin 3; minus strand), NPHP3-ACAD11 (NPHP3-ACAD11 readthrough (NMD candidate); minus strand). Cytogenetic location: 3q22.1.
Variant type: single nucleotide variant.
Coding change: c.408G>A on transcript NM_153240.5 (MANE Select); coding-DNA position 408, G replaced by A.
Protein change: p.Thr136=; no amino-acid change (threonine 136 retained).
Molecular consequence: synonymous variant. On other transcripts: non-coding transcript variant (1).
Genome position (GRCh38, 1-based): chr3:132,719,816, C>T on the plus strand (G>A on the coding strand, the complement: NPHP3 is on the minus strand). VCF-style: chr3-132719816-C-T. GRCh37 (hg19) VCF-style: chr3-132438660-C-T.
Identifiers: ClinVar variation 284322 (VCV000284322.24), dbSNP rs141410951, ClinGen allele CA2622609.